The following is an entry in ClinVar:

ClinVar aggregate classification (germline): Likely benign (1 of 4 stars; one submission).

Submission:

CeGaT Center for Human Genetics Tuebingen
Classification: Likely benign. Last evaluated: 2026-04-01. Review status: criteria provided, single submitter. Criteria: CeGaT Center For Human Genetics Tuebingen Variant Classification Criteria Version 2. Collection method: clinical testing. Allele origin: germline. Affected: yes. Observed: 1 variant allele.
Comment: ZNF100: BP4, BP7

NM_173531.4(ZNF100):c.834A>C (p.Thr278=)

Gene: ZNF100 (zinc finger protein 100; minus strand). Cytogenetic location: 19p12.
Variant type: single nucleotide variant.
Coding change: c.834A>C on transcript NM_173531.4 (MANE Select); coding-DNA position 834, A replaced by C.
Protein change: p.Thr278=; no amino-acid change (threonine 278 retained).
Molecular consequence: synonymous variant.
Genome position (GRCh38, 1-based): chr19:21,727,478, T>G on the plus strand (A>C on the coding strand, the complement: ZNF100 is on the minus strand). VCF-style: chr19-21727478-T-G. GRCh37 (hg19) VCF-style: chr19-21910280-T-G.
Other names: c.831A>C, p.Thr277= (NM_001351669.2); c.735A>C, p.Thr245= (NM_001351670.2); c.531A>C, p.Thr177= (NM_001351671.2); c.189A>C, p.Thr63= (NM_001351672.2).
Identifiers: ClinVar variation 4874020 (VCV004874020.2).